The following is an entry in ClinVar:

ClinVar aggregate classification (germline): Pathogenic (1 of 4 stars; one submission).

Conditions:
Autosomal recessive axonal neuropathy with neuromyotonia (NMAN). Also called: Gamstorp-Wohlfart syndrome; MYOKYMIA, MYOTONIA, AND MUSCLE WASTING; Neuromyotonia and axonal neuropathy, autosomal recessive. Identifiers: Orphanet 324442, MedGen C5700127, MONDO:0007646, OMIM 137200.

Submission:

3billion
Classification: Pathogenic for Autosomal recessive axonal neuropathy with neuromyotonia. Last evaluated: 2022-01-03. Review status: criteria provided, single submitter. Criteria: ACMG Guidelines, 2015. Collection method: clinical testing. Allele origin: germline. Affected: yes. Observed: 1 homozygote.
Comment: Frameshift: predicted to result in a loss or disruption of normal protein function through protein truncation. Multiple pathogenic variants are reported in the predicted truncated region (PVS1_VS). It is not observed in the gnomAD v2.1.1 dataset (PM2_M). Patient’s phenotype is considered compatible with HINT1-related disorder (PP4_P). Therefore, this variant is classified as pathogenic according to the recommendation of ACMG/AMP guideline.

NM_005340.7(HINT1):c.292del (p.Val97_Val98insTer)

Gene: HINT1 (histidine triad nucleotide binding protein 1; minus strand). Cytogenetic location: 5q23.3.
Variant type: Deletion.
Coding change: c.292del on transcript NM_005340.7 (MANE Select); coding-DNA position 292, one base deleted (G; older notation c.292delG).
Protein change: p.Val97_Val98insTer.
Molecular consequence: nonsense. On other transcripts: non-coding transcript variant (5).
Genome position (GRCh38, 1-based): chr5:131,159,536, C deleted on the plus strand (G on the coding strand, the reverse complement: HINT1 is on the minus strand); the first of 2 consecutive C bases (chr5:131,159,536-131,159,537); deleting either gives the same sequence. VCF-style (leftmost placement, unchanged base first): chr5-131159535-AC-A. GRCh37 (hg19) VCF-style: chr5-130495228-AC-A.
Identifiers: ClinVar variation 1333249 (VCV001333249.1), dbSNP rs2149651165, ClinGen allele CA2573052424.